The following is an entry in ClinVar:

NM_000202.8(IDS):c.982_996del (p.Ile328_Thr332del)

Genes: IDS (iduronate 2-sulfatase; minus strand), LOC106050102 (IDS recombination region; plus strand). Cytogenetic location: Xq28.
Variant type: Deletion.
Coding change: c.982_996del on transcript NM_000202.8 (MANE Select); coding-DNA positions 982 to 996, 15 bases deleted (ATCATTGCATTTACC).
Protein change: p.Ile328_Thr332del.
Molecular consequence: inframe deletion. On other transcripts: non-coding transcript variant (1).
Genome position (GRCh38, 1-based): chrX:149,490,324-149,490,338, GGTAAATGCAATGAT deleted on the plus strand (ATCATTGCATTTACC on the coding strand, the reverse complement: IDS is on the minus strand); deleting any 15 consecutive bases within chrX:149,490,324-149,490,341 gives the same sequence; the c. name uses the placement nearest the transcript's 3' end. VCF-style (leftmost placement, unchanged base first): chrX-149490323-AGGTAAATGCAATGAT-A. GRCh37 (hg19) VCF-style: chrX-148571854-AGGTAAATGCAATGAT-A.
Other names: c.712_726del, p.Ile238_Thr242del (NM_001166550.4); c.982_996del, p.Ile328_Thr332del (NM_006123.5).
Identifiers: ClinVar variation 997035 (VCV000997035.3), dbSNP rs2124020031, ClinGen allele CA2499226416.

ClinVar aggregate classification (germline): Likely pathogenic. Review status: criteria provided, multiple submitters, no conflicts (2 of 4 stars). 2 submissions from 2 submitters: Likely pathogenic (2). Last evaluated 2024-06-07.

Conditions:
Mucopolysaccharidosis, MPS-II (MPS2). Also called: Mucopolysaccharidosis type 2; Hunter Syndrome; IDURONATE 2-SULFATASE DEFICIENCY; Mucopolysaccharidosis Type II; IDS deficiency; Sulfoiduronate sulfatase deficiency. Identifiers: Orphanet 580, Orphanet 79388, MedGen C0026705, MONDO:0010674, OMIM 309900.

Submissions (2):

Laboratory of Diagnosis and Therapy of Lysosomal Disorders, University of Padova
Classification: Likely pathogenic for Mucopolysaccharidosis, MPS-II. Last evaluated: 2024-06-07. Review status: criteria provided, single submitter. Criteria: ACMG Guidelines, 2015. Collection method: literature only. Allele origin: germline. Affected: yes. Observed: 1 variant allele.
Comment: Absent from controls (or at low frequency) in gnomAD database (PM2_Moderate), Protein length changes in a nonrepeat region or stop–loss variants (PM4_Moderate), Multiple lines of computational evidence support a deleterious effect (PP3_Supporting), Patient’s phenotype or family history highly specific for the disease (PP4_Moderate)

Classification method: ACMG Guidelines [PMID:25741868] with modifications

Department of Medical Genetics, Sanjay Gandhi Post Graduate Institute of Medical Sciences
Classification: Likely pathogenic for Mucopolysaccharidosis, MPS-II. Review status: criteria provided, single submitter. Criteria: ACMG Guidelines, 2015. Collection method: clinical testing. Allele origin: maternal. Inheritance: X-linked recessive inheritance. Affected: yes. Observed: 1 variant allele, 1 hemizygote.

Literature cited by the submitters: PubMed 35144014 (cited by Laboratory of Diagnosis and Therapy of Lysosomal Disorders, University of Padova).